The following is an entry in ClinVar:

ClinVar aggregate classification (germline): Uncertain significance (1 of 4 stars; one submission).

gnomAD v4.1: 1 of 1,613,666 alleles (0.000062%); highest among the groups gnomAD compares: Non-Finnish European, 0.000085%; no homozygotes.

Submission:

GeneDx
Classification: Uncertain significance. Last evaluated: 2024-10-14. Review status: criteria provided, single submitter. Criteria: GeneDx Variant Classification Process June 2021. Collection method: clinical testing. Allele origin: germline. Affected: yes.
Comment: Not observed at significant frequency in large population cohorts (gnomAD); In silico analysis supports that this missense variant has a deleterious effect on protein structure/function; Has not been previously published as pathogenic or benign to our knowledge

NM_001393769.1(MED12L):c.1625A>C (p.Glu542Ala)

Gene: MED12L (mediator complex subunit 12L; plus strand). Cytogenetic location: 3q25.1.
Variant type: single nucleotide variant.
Coding change: c.1625A>C on transcript NM_001393769.1 (MANE Select); coding-DNA position 1625, A replaced by C.
Protein change: p.Glu542Ala; replaces glutamic acid 542 with alanine.
Molecular consequence: missense variant.
Genome position (GRCh38, 1-based): chr3:151,185,460, A>C. VCF-style: chr3-151185460-A-C. GRCh37 (hg19) VCF-style: chr3-150903247-A-C.
Other names: c.1625A>C, p.Glu542Ala (NM_053002.6); short protein forms E542A.
Identifiers: ClinVar variation 3777273 (VCV003777273.1).
Genomic context (GRCh38, chr3:151,185,460, plus strand): 5'-AGCACAGGGCCATGGCTGTGGCAAAACTCCTGGAGAAGAGGCAAGCAGAAATTGAGGCAG[A>C]GGTAGGTTCCATTTTCTTTCTGCTTGTTGAATGCCGTAATGTAAAAATACTGTTTTGGGG-3'
Protein context (NP_001380698.1, residues 532-552): LEKRQAEIEA[Glu542Ala]RCGESEVLDE